The following is an entry in ClinVar:

ClinVar aggregate classification (germline): Uncertain significance (1 of 4 stars; one submission).

Conditions:
Propionic acidemia (PROP). Also called: GLYCINEMIA, KETOTIC; HYPERGLYCINEMIA WITH KETOACIDOSIS AND LEUKOPENIA; KETOTIC HYPERGLYCINEMIA. Identifiers: Orphanet 35, MedGen C0268579, MONDO:0011628, OMIM 606054, HP:0003571.

Allele frequency attached by ClinVar (database versions not stated): gnomAD exomes below 0.00001; TOPMed below 0.00001.
gnomAD v4.1: 1 of 1,608,122 alleles (0.000062%); highest among the groups gnomAD compares: Non-Finnish European, 0.000085%; no homozygotes.

Submission:

Labcorp Genetics (formerly Invitae), Labcorp
Classification: Uncertain significance for Propionic acidemia. Last evaluated: 2022-07-19. Review status: criteria provided, single submitter. Criteria: Invitae Variant Classification Sherloc (09022015). Collection method: clinical testing. Allele origin: germline.
Comment: In summary, the available evidence is currently insufficient to determine the role of this variant in disease. Therefore, it has been classified as a Variant of Uncertain Significance. Advanced modeling of protein sequence and biophysical properties (such as structural, functional, and spatial information, amino acid conservation, physicochemical variation, residue mobility, and thermodynamic stability) performed at Invitae indicates that this missense variant is expected to disrupt PCCA protein function. ClinVar contains an entry for this variant (Variation ID: 1427300). This variant has not been reported in the literature in individuals affected with PCCA-related conditions. This variant is not present in population databases (gnomAD no frequency). This sequence change replaces leucine, which is neutral and non-polar, with phenylalanine, which is neutral and non-polar, at codon 485 of the PCCA protein (p.Leu485Phe).

NM_000282.4(PCCA):c.1453C>T (p.Leu485Phe)

Gene: PCCA (propionyl-CoA carboxylase subunit alpha; plus strand). Cytogenetic location: 13q32.3.
Variant type: single nucleotide variant.
Coding change: c.1453C>T on transcript NM_000282.4 (MANE Select); coding-DNA position 1453, C replaced by T.
Protein change: p.Leu485Phe; replaces leucine 485 with phenylalanine.
Molecular consequence: missense variant. On other transcripts: non-coding transcript variant (5).
Genome position (GRCh38, 1-based): chr13:100,330,584, C>T. VCF-style: chr13-100330584-C-T. GRCh37 (hg19) VCF-style: chr13-100982838-C-T.
Other names: c.1375C>T, p.Leu459Phe (NM_001127692.3, NM_001352607.2); c.1453C>T, p.Leu485Phe (NM_001178004.2, NM_001352605.2, NM_001352609.2); c.1309C>T, p.Leu437Phe (NM_001352606.2); c.1231C>T, p.Leu411Phe (NM_001352608.2); c.508C>T, p.Leu170Phe (NM_001352610.2, NM_001352611.2); c.364C>T, p.Leu122Phe (NM_001352612.2); short protein forms L411F, L459F, L122F, L437F, L170F, L485F.
Identifiers: ClinVar variation 1427300 (VCV001427300.6), dbSNP rs1302157004, ClinGen allele CA388696096.
Genomic context (GRCh38, chr13:100,330,584, plus strand): 5'-TTCATTGTTCTTCAATTTGATATCATTTTACTTTTAGGTGTTACACATAATATTGCATTA[C>T]TTCGAGAGGTGATAATCAACTCACGCTTTGTAAAAGGAGACATCAGCACTAAATTTCTCT-3'
Protein context (NP_000273.2, residues 475-495): IRGVTHNIAL[Leu485Phe]REVIINSRFV